The following is an entry in ClinVar:

NM_006270.5(RRAS):c.454-9T>A

Gene: RRAS (RAS related; minus strand). Cytogenetic location: 19q13.33.
Variant type: single nucleotide variant.
Coding change: c.454-9T>A on transcript NM_006270.5 (MANE Select); 9 bases into the intron before coding-DNA position 454, T replaced by A.
Molecular consequence: intron variant.
Genome position (GRCh38, 1-based): chr19:49,635,861, A>T on the plus strand (T>A on the coding strand, the complement: RRAS is on the minus strand). VCF-style: chr19-49635861-A-T. GRCh37 (hg19) VCF-style: chr19-50139118-A-T.
Identifiers: ClinVar variation 759077 (VCV000759077.11), dbSNP rs1490597941, ClinGen allele CA915951694.

ClinVar aggregate classification (germline): Likely benign. Review status: criteria provided, multiple submitters, no conflicts (2 of 4 stars). 3 submissions from 3 submitters: Likely benign (2). 1 of the submissions does not count toward it. Last evaluated 2018-08-13.

Conditions:
RRAS-related disorder. Also called: RRAS-related condition.
Noonan syndrome (NS). Also called: Noonan's syndrome. Identifiers: Orphanet 648, MedGen C0028326, MeSH D009634, MONDO:0018997. Disease mechanism: gain of function.

Submissions (3):

Labcorp Genetics (formerly Invitae), Labcorp
Classification: Likely benign for Noonan syndrome. Last evaluated: 2018-08-13. Review status: criteria provided, single submitter. Criteria: Invitae Variant Classification Sherloc (09022015). Collection method: clinical testing. Allele origin: germline.

Breakthrough Genomics
Classification: Likely benign. Review status: criteria provided, single submitter. Criteria: ACMG Guidelines, 2015. Collection method: not provided. Allele origin: germline. Inheritance: Unknown mechanism. Affected: yes.

PreventionGenetics, part of Exact Sciences
Classification: Likely benign for RRAS-related condition. Last evaluated: 2020-01-16. Review status: no assertion criteria provided. Collection method: clinical testing. Allele origin: germline. Not counted in ClinVar's aggregate classification.
Comment: This variant is classified as likely benign based on ACMG/AMP sequence variant interpretation guidelines (Richards et al. 2015 PMID: 25741868, with internal and published modifications).